The following is an entry in ClinVar:

ClinVar aggregate classification (germline): Likely pathogenic (1 of 4 stars; one submission).

Conditions:
Spinocerebellar ataxia, autosomal recessive 29. Also called: BARAKAT-VAN HAM-KAYA SYNDROME; NEURODEVELOPMENTAL DISORDER WITH HYPOTONIA AND CEREBELLAR ATAXIA. Identifiers: MedGen C5543595, MONDO:0030312, OMIM 619389.

gnomAD v4.1: 13 of 1,594,426 alleles (0.00082%); highest among the groups gnomAD compares: East Asian, 0.0068%; no homozygotes.

Submission:

Department of Pediatrics, Nagoya University Graduate School of Medicine
Classification: Likely pathogenic for Spinocerebellar ataxia, autosomal recessive 29. Last evaluated: 2025-05-26. Review status: criteria provided, single submitter. Criteria: ACMG Guidelines, 2015. Collection method: research, in vitro. Allele origin: unknown, not applicable. Affected: yes. Observed: 1 variant allele. Functional consequence: skipped exon.
Comment: The VPS41 variant (NM_014396.4:c.1247G>A, NP_055211.2:p.Arg416His) is predicted to affect splicing and was shown by RNA analysis to result in exon 15 skipping, leading to a premature termination codon and subsequent nonsense-mediated decay (NMD). The affected exon is present in the biologically relevant transcript. According to the ClinGen Sequence Variant Interpretation (SVI) Working Group recommendations for the application of PVS1, this variant qualifies for the PVS1 criterion at a very strong level. This variant is absent from large population databases (e.g., gnomAD). Overall, the following ACMG criteria were applied in classifying this variant as Likely pathogenic: PVS1 and PM2.

NM_014396.4(VPS41):c.1247G>A (p.Arg416His)

Gene: VPS41 (VPS41 subunit of HOPS complex; minus strand). Cytogenetic location: 7p14.1.
Variant type: single nucleotide variant.
Coding change: c.1247G>A on transcript NM_014396.4 (MANE Select); coding-DNA position 1247, G replaced by A.
Protein change: p.Arg416His; replaces arginine 416 with histidine.
Molecular consequence: missense variant.
Genome position (GRCh38, 1-based): chr7:38,767,537, C>T on the plus strand (G>A on the coding strand, the complement: VPS41 is on the minus strand). VCF-style: chr7-38767537-C-T. GRCh37 (hg19) VCF-style: chr7-38807137-C-T.
Other names: c.1172G>A, p.Arg391His (NM_080631.4); short protein forms R391H, R416H.
Identifiers: ClinVar variation 4076110 (VCV004076110.1).